The following is an entry in ClinVar:

NM_001104631.2(PDE4D):c.2366T>C (p.Val789Ala)

Gene: PDE4D (phosphodiesterase 4D; minus strand). Cytogenetic location: 5q11.2.
Variant type: single nucleotide variant.
Coding change: c.2366T>C on transcript NM_001104631.2 (MANE Select); coding-DNA position 2366, T replaced by C.
Protein change: p.Val789Ala; replaces valine 789 with alanine.
Molecular consequence: missense variant.
Genome position (GRCh38, 1-based): chr5:58,974,728, A>G on the plus strand (T>C on the coding strand, the complement: PDE4D is on the minus strand). VCF-style: chr5-58974728-A-G. GRCh37 (hg19) VCF-style: chr5-58270555-A-G.
Other names: c.1694T>C, p.Val565Ala (NM_001197222.2); c.1493T>C, p.Val498Ala (NM_001197223.2); c.2153T>C, p.Val718Ala (NM_001349241.2); c.2036T>C, p.Val679Ala (NM_001349242.2); c.1598T>C, p.Val533Ala (NM_001349243.2, NM_001364604.1); c.2183T>C, p.Val728Ala (NM_001364599.1, NM_001165899.2); c.1460T>C, p.Val487Ala (NM_001364603.1, NM_001197221.2); c.1958T>C, p.Val653Ala (NM_006203.5); and 3 more; short protein forms V487A, V533A, V718A, V789A, V498A, V725A, V728A, V565A.
Identifiers: ClinVar variation 4770726 (VCV004770726.1).

ClinVar aggregate classification (germline): Uncertain significance (1 of 4 stars; one submission).

gnomAD v4.1: 1 of 1,612,732 alleles (0.000062%); highest among the groups gnomAD compares: African/African-American, 0.0013%; no homozygotes.

Submission:

Labcorp Genetics (formerly Invitae), Labcorp
Classification: Uncertain significance. Last evaluated: 2025-10-03. Review status: criteria provided, single submitter. Criteria: Invitae Variant Classification Sherloc (09022015). Collection method: clinical testing. Allele origin: germline.
Comment: This sequence change replaces valine, which is neutral and non-polar, with alanine, which is neutral and non-polar, at codon 789 of the PDE4D protein (p.Val789Ala). This variant is present in population databases (no rsID available, gnomAD 0.01%). This variant has not been reported in the literature in individuals affected with PDE4D-related conditions. An algorithm developed to predict the effect of missense changes on protein structure and function (PolyPhen-2) suggests that this variant is likely to be tolerated. In summary, the available evidence is currently insufficient to determine the role of this variant in disease. Therefore, it has been classified as a Variant of Uncertain Significance.